The following is an entry in ClinVar:

ClinVar aggregate classification (germline): Uncertain significance (1 of 4 stars; one submission).

Conditions:
Congenital contractural arachnodactyly (CCA). Also called: BEALS SYNDROME; Arthrogryposis, distal, type 9; Beals-Hecht syndrome. Identifiers: Orphanet 115, MedGen C0220668, MONDO:0007363, OMIM 121050.

Submission:

Labcorp Genetics (formerly Invitae), Labcorp
Classification: Uncertain significance for Congenital contractural arachnodactyly. Last evaluated: 2022-03-28. Review status: criteria provided, single submitter. Criteria: Invitae Variant Classification Sherloc (09022015). Collection method: clinical testing. Allele origin: germline.
Comment: In summary, the available evidence is currently insufficient to determine the role of this variant in disease. Therefore, it has been classified as a Variant of Uncertain Significance. Advanced modeling of protein sequence and biophysical properties (such as structural, functional, and spatial information, amino acid conservation, physicochemical variation, residue mobility, and thermodynamic stability) performed at Invitae indicates that this missense variant is not expected to disrupt FBN2 protein function. This variant has not been reported in the literature in individuals affected with FBN2-related conditions. This variant is not present in population databases (gnomAD no frequency). This sequence change replaces arginine, which is basic and polar, with proline, which is neutral and non-polar, at codon 1553 of the FBN2 protein (p.Arg1553Pro).

NM_001999.4(FBN2):c.4658G>C (p.Arg1553Pro)

Gene: FBN2 (fibrillin 2; minus strand). Cytogenetic location: 5q23.3.
Variant type: single nucleotide variant.
Coding change: c.4658G>C on transcript NM_001999.4 (MANE Select); coding-DNA position 4658, G replaced by C.
Protein change: p.Arg1553Pro; replaces arginine 1553 with proline.
Molecular consequence: missense variant.
Genome position (GRCh38, 1-based): chr5:128,318,208, C>G on the plus strand (G>C on the coding strand, the complement: FBN2 is on the minus strand). VCF-style: chr5-128318208-C-G. GRCh37 (hg19) VCF-style: chr5-127653900-C-G.
Other names: short protein forms R1553P.
Identifiers: ClinVar variation 2118810 (VCV002118810.4), dbSNP rs772173133, ClinGen allele CA360749644.